The following is an entry in ClinVar:

NM_001142556.2(HMMR):c.769C>T (p.Gln257Ter)

Gene: HMMR (hyaluronan mediated motility receptor; plus strand). Cytogenetic location: 5q34.
Variant type: single nucleotide variant.
Coding change: c.769C>T on transcript NM_001142556.2 (MANE Select); coding-DNA position 769, C replaced by T.
Protein change: p.Gln257Ter; replaces glutamine 257 with a stop codon.
Molecular consequence: nonsense.
Genome position (GRCh38, 1-based): chr5:163,473,422, C>T. VCF-style: chr5-163473422-C-T. GRCh37 (hg19) VCF-style: chr5-162900428-C-T.
Other names: c.508C>T, p.Gln170Ter (NM_001142557.2); c.766C>T, p.Gln256Ter (NM_012484.3); c.721C>T, p.Gln241Ter (NM_012485.3); short protein forms Q170*, Q241*, Q256*, Q257*.
Identifiers: ClinVar variation 1802240 (VCV001802240.3), dbSNP rs779902788, ClinGen allele CA3545723.

ClinVar aggregate classification (germline): Uncertain significance (1 of 4 stars; one submission).

Conditions:
Familial cancer of breast. Also called: BREAST CANCER, FAMILIAL; Hereditary breast cancer; hereditary breast carcinoma. Identifiers: Orphanet 227535, MedGen C0346153, MONDO:0016419, OMIM 114480. Disease mechanism: loss of function.

Allele frequency attached by ClinVar (database versions not stated): ExAC 0.00001.

Submission:

Diagnostics Services (NGS), CSIR - Centre For Cellular And Molecular Biology
Classification: Uncertain significance for Familial cancer of breast. Last evaluated: 2022-08-30. Review status: criteria provided, single submitter. Criteria: ACMG Guidelines, 2015. Collection method: clinical testing. Allele origin: unknown. Affected: no. Observed: 1 variant allele, 1 heterozygote.
Comment: The c.769C>T variant is not present in 1000 Genomes, EVS, Indian Exome Database or our in-house exome database. The variant is present in gnomAD at a low frequency. The variant has not been previously reported to ClinVar, HGMD or OMIM databases in affected individuals. In-silico pathogenicity prediction programs like SIFT, PolyPhen-2, MutationTaster2, CADD etc. predicted this variant to be likely deleterious, however these predictions were not confirmed by any published functional studies.